The following is an entry in ClinVar:

NM_004957.6(FPGS):c.1434C>T (p.Asp478=)

Gene: FPGS (folylpolyglutamate synthase; plus strand). Cytogenetic location: 9q34.11.
Variant type: single nucleotide variant.
Coding change: c.1434C>T on transcript NM_004957.6 (MANE Select); coding-DNA position 1434, C replaced by T.
Protein change: p.Asp478=; no amino-acid change (aspartic acid 478 retained).
Molecular consequence: synonymous variant. On other transcripts: non-coding transcript variant (1).
Genome position (GRCh38, 1-based): chr9:127,813,274, C>T. VCF-style: chr9-127813274-C-T. GRCh37 (hg19) VCF-style: chr9-130575553-C-T.
Other names: c.1284C>T, p.Asp428= (NM_001018078.2); c.1356C>T, p.Asp452= (NM_001288803.1).
Identifiers: ClinVar variation 4874003 (VCV004874003.2).

ClinVar aggregate classification (germline): Likely benign (1 of 4 stars; one submission).

gnomAD v4.1: 131 of 1,612,882 alleles (0.0081%); highest among the groups gnomAD compares: Admixed American, 0.0067%; no homozygotes.

Submission:

CeGaT Center for Human Genetics Tuebingen
Classification: Likely benign. Last evaluated: 2026-05-01. Review status: criteria provided, single submitter. Criteria: CeGaT Center For Human Genetics Tuebingen Variant Classification Criteria Version 2. Collection method: clinical testing. Allele origin: germline. Affected: yes. Observed: 1 variant allele.
Comment: FPGS: BP4, BP7